The following is an entry in ClinVar:

NM_001813.3(CENPE):c.4272C>T (p.Leu1424=)

Gene: CENPE (centromere protein E; minus strand). Cytogenetic location: 4q24.
Variant type: single nucleotide variant.
Coding change: c.4272C>T on transcript NM_001813.3 (MANE Select); coding-DNA position 4272, C replaced by T.
Protein change: p.Leu1424=; no amino-acid change (leucine 1424 retained).
Molecular consequence: synonymous variant.
Genome position (GRCh38, 1-based): chr4:103,145,970, G>A on the plus strand (C>T on the coding strand, the complement: CENPE is on the minus strand). VCF-style: chr4-103145970-G-A. GRCh37 (hg19) VCF-style: chr4-104067127-G-A.
Other names: c.4197C>T, p.Leu1399= (NM_001286734.2).
Identifiers: ClinVar variation 786044 (VCV000786044.8), dbSNP rs34221220, ClinGen allele CA3029871.

ClinVar aggregate classification (germline): Benign/Likely benign. Review status: criteria provided, multiple submitters, no conflicts (2 of 4 stars). 4 submissions from 4 submitters: Benign (1); Likely benign (2). 1 of the submissions does not count toward it. Last evaluated 2021-03-01.

Conditions:
CENPE-related disorder. Also called: CENPE-related condition.

Allele frequency attached by ClinVar (database versions not stated): ExAC 0.00293; gnomAD 0.00929 and 0.00976; gnomAD exomes 0.00236 and 0.00082; ESP Exome Variant Server 0.00915; 1000 Genomes Project 30x 0.01062; TOPMed 0.01017; 1000 Genomes Project 0.01018.
gnomAD v4.1: 2,668 of 1,613,808 alleles (0.17%); highest among the groups gnomAD compares: African/African-American, 3.1%; 36 homozygotes.

Submissions (4):

GeneDx
Classification: Likely benign. Last evaluated: 2021-03-01. Review status: criteria provided, single submitter. Criteria: GeneDx Variant Classification Process June 2021. Collection method: clinical testing. Allele origin: germline. Affected: yes.

Labcorp Genetics (formerly Invitae), Labcorp
Classification: Benign. Last evaluated: 2019-12-31. Review status: criteria provided, single submitter. Criteria: Invitae Variant Classification Sherloc (09022015). Collection method: clinical testing. Allele origin: germline.

Breakthrough Genomics
Classification: Likely benign. Review status: criteria provided, single submitter. Criteria: ACMG Guidelines, 2015. Collection method: not provided. Allele origin: germline. Inheritance: Autosomal recessive inheritance. Affected: yes.

PreventionGenetics, part of Exact Sciences
Classification: Likely benign for CENPE-related condition. Last evaluated: 2024-04-15. Review status: no assertion criteria provided. Collection method: clinical testing. Allele origin: germline. Not counted in ClinVar's aggregate classification.
Comment: This variant is classified as likely benign based on ACMG/AMP sequence variant interpretation guidelines (Richards et al. 2015 PMID: 25741868, with internal and published modifications).